The following is an entry in ClinVar:

ClinVar aggregate classification (germline): Pathogenic (1 of 4 stars; one submission).

Conditions:
Nemaline myopathy 2 (NEM2). Also called: Nemaline myopathy 2, autosomal recessive. Identifiers: MedGen C1850569, MONDO:0009725, OMIM 256030.

Submission:

Labcorp Genetics (formerly Invitae), Labcorp
Classification: Pathogenic for Nemaline myopathy 2. Last evaluated: 2021-04-05. Review status: criteria provided, single submitter. Criteria: Invitae Variant Classification Sherloc (09022015). Collection method: clinical testing. Allele origin: germline.
Comment: This sequence change creates a premature translational stop signal (p.Gln3178*) in the NEB gene. It is expected to result in an absent or disrupted protein product. Loss-of-function variants in NEB are known to be pathogenic (PMID: 25205138). This variant is not present in population databases (ExAC no frequency). This variant has not been reported in the literature in individuals with NEB-related conditions. For these reasons, this variant has been classified as Pathogenic.

Literature cited by the submitters: PubMed 25205138.

NM_001164508.2(NEB):c.9532C>T (p.Gln3178Ter)

Gene: NEB (nebulin; minus strand). Cytogenetic location: 2q23.3.
Variant type: single nucleotide variant.
Coding change: c.9532C>T on transcript NM_001164508.2 (MANE Select); coding-DNA position 9532, C replaced by T.
Protein change: p.Gln3178Ter; replaces glutamine 3178 with a stop codon.
Molecular consequence: nonsense. On other transcripts: intron variant (1).
Genome position (GRCh38, 1-based): chr2:151,631,229, G>A on the plus strand (C>T on the coding strand, the complement: NEB is on the minus strand). VCF-style: chr2-151631229-G-A. GRCh37 (hg19) VCF-style: chr2-152487743-G-A.
Other names: c.9532C>T, p.Gln3178Ter (NM_001164507.2, NM_001271208.2); c.8854-51C>T (NM_004543.5); short protein forms Q3178*.
Identifiers: ClinVar variation 1075968 (VCV001075968.7), dbSNP rs2154073221, ClinGen allele CA348800142.